The following is an entry in ClinVar:

ClinVar aggregate classification (germline): Uncertain significance (1 of 4 stars; one submission).

Conditions:
Cardiovascular phenotype. Identifiers: MedGen CN230736.

Allele frequency attached by ClinVar (database versions not stated): gnomAD 0.00001.
gnomAD v4.1: 1 of 1,613,954 alleles (0.000062%); highest among the groups gnomAD compares: African/African-American, 0.0013%; no homozygotes.

Submission:

Ambry Genetics
Classification: Uncertain significance for Cardiovascular phenotype. Last evaluated: 2023-12-03. Review status: criteria provided, single submitter. Criteria: Ambry Variant Classification Scheme 2023. Collection method: clinical testing. Allele origin: germline.
Comment: The p.D230E variant (also known as c.690C>G), located in coding exon 6 of the LIPA gene, results from a C to G substitution at nucleotide position 690. The aspartic acid at codon 230 is replaced by glutamic acid, an amino acid with highly similar properties. This amino acid position is conserved. In addition, this alteration is predicted to be tolerated by in silico analysis. Since supporting evidence is limited at this time, the clinical significance of this alteration remains unclear.

NM_000235.4(LIPA):c.690C>G (p.Asp230Glu)

Gene: LIPA (lipase A, lysosomal acid type; minus strand). Cytogenetic location: 10q23.31.
Variant type: single nucleotide variant.
Coding change: c.690C>G on transcript NM_000235.4 (MANE Select); coding-DNA position 690, C replaced by G.
Protein change: p.Asp230Glu; replaces aspartic acid 230 with glutamic acid.
Molecular consequence: missense variant.
Genome position (GRCh38, 1-based): chr10:89,223,816, G>C on the plus strand (C>G on the coding strand, the complement: LIPA is on the minus strand). VCF-style: chr10-89223816-G-C. GRCh37 (hg19) VCF-style: chr10-90983573-G-C.
Other names: c.690C>G, p.Asp230Glu (NM_001127605.3); c.342C>G, p.Asp114Glu (NM_001288979.2); short protein forms D114E, D230E.
Identifiers: ClinVar variation 3230714 (VCV003230714.1), dbSNP rs1409978506, ClinGen allele CA377517103.
Genomic context (GRCh38, chr10:89,223,816, plus strand): 5'-ATGAGTGCAAACGTGGGTACCCAGCCACTTCAAAAACGCACTCTGGGGAAGAAATTCTTT[G>C]TCTCCAAATAAGTCCTACAAAATAAAAAGAAACCCAAGAACATCTCAGCATTTCACTCTG-3'
Protein context (NP_000226.2, residues 220-240): PDHLIKDLFG[Asp230Glu]KEFLPQSAFL